The following is an entry in ClinVar:

NM_004336.5(BUB1):c.682A>G (p.Lys228Glu)

Gene: BUB1 (BUB1 mitotic checkpoint serine/threonine kinase; minus strand). Cytogenetic location: 2q13.
Variant type: single nucleotide variant.
Coding change: c.682A>G on transcript NM_004336.5 (MANE Select); coding-DNA position 682, A replaced by G.
Protein change: p.Lys228Glu; replaces lysine 228 with glutamic acid.
Molecular consequence: missense variant.
Genome position (GRCh38, 1-based): chr2:110,667,644, T>C on the plus strand (A>G on the coding strand, the complement: BUB1 is on the minus strand). VCF-style: chr2-110667644-T-C. GRCh37 (hg19) VCF-style: chr2-111425221-T-C.
Other names: c.622A>G, p.Lys208Glu (NM_001278616.2); c.682A>G, p.Lys228Glu (NM_001278617.2); short protein forms K228E, K208E.
Identifiers: ClinVar variation 2565827 (VCV002565827.2), dbSNP rs2468028354, ClinGen allele CA348217885.

ClinVar aggregate classification (germline): Uncertain significance (1 of 4 stars; one submission).

Allele frequency attached by ClinVar (database versions not stated): gnomAD exomes below 0.00001.
gnomAD v4.1: 1 of 1,614,022 alleles (0.000062%); highest among the groups gnomAD compares: Non-Finnish European, 0.000085%; no homozygotes.

Submission:

Ambry Genetics
Classification: Uncertain significance. Last evaluated: 2023-06-10. Review status: criteria provided, single submitter. Criteria: Ambry Variant Classification Scheme 2023. Collection method: clinical testing. Allele origin: germline.
Comment: The p.K228E variant (also known as c.682A>G), located in coding exon 8 of the BUB1 gene, results from an A to G substitution at nucleotide position 682. The lysine at codon 228 is replaced by glutamic acid, an amino acid with similar properties. This amino acid position is conserved. In addition, this alteration is predicted to be tolerated by in silico analysis. Since supporting evidence is limited at this time, the clinical significance of this alteration remains unclear.